The following is an entry in ClinVar:

ClinVar aggregate classification (germline): Pathogenic (1 of 4 stars; one submission).

Conditions:
Pulmonary fibrosis and/or bone marrow failure, Telomere-related, 4. Also called: PULMONARY FIBROSIS AND/OR BONE MARROW FAILURE SYNDROME, TELOMERE-RELATED, 4. Identifiers: Orphanet 2032, MedGen C4225347, MONDO:0014612, OMIM 616371.

Submission:

Godley laboratory, The University of Chicago
Classification: Pathogenic for Pulmonary fibrosis and/or bone marrow failure, Telomere-related, 4. Last evaluated: 2020-05-18. Review status: criteria provided, single submitter. Criteria: ACMG Guidelines, 2015. Collection method: clinical testing. Allele origin: germline. Inheritance: Autosomal dominant inheritance. Affected: yes. Observed: 1 heterozygote.
Comment: The variant segregates with disease (ILD) in eight family members. The following ACMG/AMP criteria were used: PVS1, PS4_supporting, PM2, PP1_strong.

NC_000016.9:g.(?_14725823)_(14643928_?)del

Gene: PARN (poly(A)-specific ribonuclease; minus strand).
Variant type: Deletion.
Identifiers: ClinVar variation 974597 (VCV000974597.2).